The following is an entry in ClinVar:

ClinVar aggregate classification (germline): Uncertain significance (1 of 4 stars; one submission).

Conditions:
X-linked severe combined immunodeficiency (SCIDX1). Also called: IMMUNODEFICIENCY 4; SCID, X-LINKED; SEVERE COMBINED IMMUNODEFICIENCY, X-LINKED, T CELL-NEGATIVE, B CELL-POSITIVE, NK CELL-NEGATIVE; T-B+ severe combined immunodeficiency due to gamma chain deficiency; X-Linked Combined Immunodeficiency Diseases. Identifiers: Orphanet 276, MedGen C6022468, MONDO:0010315, OMIM 300400. Disease mechanism: loss of function.

Submission:

Labcorp Genetics (formerly Invitae), Labcorp
Classification: Uncertain significance for X-linked severe combined immunodeficiency. Last evaluated: 2022-09-25. Review status: criteria provided, single submitter. Criteria: Invitae Variant Classification Sherloc (09022015). Collection method: clinical testing. Allele origin: germline.
Comment: This sequence change replaces asparagine, which is neutral and polar, with serine, which is neutral and polar, at codon 93 of the IL2RG protein (p.Asn93Ser). This variant is not present in population databases (gnomAD no frequency). This variant has not been reported in the literature in individuals affected with IL2RG-related conditions. Advanced modeling of protein sequence and biophysical properties (such as structural, functional, and spatial information, amino acid conservation, physicochemical variation, residue mobility, and thermodynamic stability) performed at Invitae indicates that this missense variant is not expected to disrupt IL2RG protein function. In summary, the available evidence is currently insufficient to determine the role of this variant in disease. Therefore, it has been classified as a Variant of Uncertain Significance.

NM_000206.3(IL2RG):c.278A>G (p.Asn93Ser)

Gene: IL2RG (interleukin 2 receptor subunit gamma; minus strand). Cytogenetic location: Xq13.1.
Variant type: single nucleotide variant.
Coding change: c.278A>G on transcript NM_000206.3 (MANE Select); coding-DNA position 278, A replaced by G.
Protein change: p.Asn93Ser; replaces asparagine 93 with serine.
Molecular consequence: missense variant.
Genome position (GRCh38, 1-based): chrX:71,110,680, T>C on the plus strand (A>G on the coding strand, the complement: IL2RG is on the minus strand). VCF-style: chrX-71110680-T-C. GRCh37 (hg19) VCF-style: chrX-70330530-T-C.
Other names: short protein forms N93S.
Identifiers: ClinVar variation 1720356 (VCV001720356.5), dbSNP rs2519647443, ClinGen allele CA413496921.
Genomic context (GRCh38, chrX:71,110,680, plus strand): 5'-GAAGTGATTTCTTCAGAGAATAGATAGTGGCTGCACTTCTGGACTTTATCATTATCCGAG[T>C]TCTTGTACCTAGAGGAGAAAGGTTGGAAGGAAGAGGAACAGTGGGGCCAATCTGGGTACT-3'
Protein context (NP_000197.1, residues 83-103): TNLTLHYWYK[Asn93Ser]SDNDKVQKCS